The following is an entry in ClinVar:

NM_001042492.3(NF1):c.3496+4A>G

Gene: NF1 (neurofibromin 1; plus strand). Cytogenetic location: 17q11.2.
Variant type: single nucleotide variant.
Coding change: c.3496+4A>G on transcript NM_001042492.3 (MANE Select); 4 bases into the intron after coding-DNA position 3496, A replaced by G.
Molecular consequence: intron variant.
Genome position (GRCh38, 1-based): chr17:31,232,885, A>G. VCF-style: chr17-31232885-A-G. GRCh37 (hg19) VCF-style: chr17-29559903-A-G.
Other names: c.3496+4A>G (NM_000267.4).
Identifiers: ClinVar variation 2696444 (VCV002696444.3), dbSNP rs2508234040, ClinGen allele CA2637081278.

ClinVar aggregate classification (germline): Uncertain significance (1 of 4 stars; one submission).

Conditions:
Neurofibromatosis, type 1 (NF1). Also called: Peripheral type neurofibromatosis; VON RECKLINGHAUSEN DISEASE; Neurofibromatosis, type I; NEUROFIBROMATOSIS, TYPE I, SOMATIC. Identifiers: Orphanet 636, MedGen C0027831, MONDO:0018975, OMIM 162200. Disease mechanism: loss of function.

Allele frequency attached by ClinVar (database versions not stated): gnomAD exomes below 0.00001.
gnomAD v4.1: 2 of 1,614,072 alleles (0.00012%); highest among the groups gnomAD compares: Non-Finnish European, 0.00017%; no homozygotes.

Submission:

Labcorp Genetics (formerly Invitae), Labcorp
Classification: Uncertain significance for Neurofibromatosis, type 1. Last evaluated: 2023-11-17. Review status: criteria provided, single submitter. Criteria: Invitae Variant Classification Sherloc (09022015). Collection method: clinical testing. Allele origin: germline.
Comment: This sequence change falls in intron 26 of the NF1 gene. It does not directly change the encoded amino acid sequence of the NF1 protein. It affects a nucleotide within the consensus splice site. This variant is not present in population databases (gnomAD no frequency). This variant has not been reported in the literature in individuals affected with NF1-related conditions. Variants that disrupt the consensus splice site are a relatively common cause of aberrant splicing (PMID: 17576681, 9536098). Algorithms developed to predict the effect of sequence changes on RNA splicing suggest that this variant may disrupt the consensus splice site. In summary, the available evidence is currently insufficient to determine the role of this variant in disease. Therefore, it has been classified as a Variant of Uncertain Significance.

Literature cited by the submitters: PubMed 17576681; PubMed 9536098.